The following is an entry in ClinVar:

NM_015346.4(ZFYVE26):c.564del (p.Leu189fs)

Gene: ZFYVE26 (zinc finger FYVE-type containing 26; minus strand). Cytogenetic location: 14q24.1.
Variant type: Deletion.
Coding change: c.564del on transcript NM_015346.4 (MANE Select); coding-DNA position 564, one base deleted (T; older notation c.564delT).
Protein change: p.Leu189fs; shifts the reading frame from leucine 189.
Molecular consequence: frameshift variant.
Genome position (GRCh38, 1-based): chr14:67,807,720, A deleted on the plus strand (T on the coding strand, the reverse complement: ZFYVE26 is on the minus strand). VCF-style (leftmost placement, unchanged base first): chr14-67807719-GA-G. GRCh37 (hg19) VCF-style: chr14-68274436-GA-G.
Other names: short protein forms L189fs.
Identifiers: ClinVar variation 5012326 (VCV005012326.1).

ClinVar aggregate classification (germline): Pathogenic (1 of 4 stars; one submission).

Conditions:
Hereditary spastic paraplegia 15 (SPG15). Also called: SPASTIC PARAPLEGIA 15, AUTOSOMAL RECESSIVE; KJELLIN SYNDROME; SPASTIC PARAPLEGIA AND RETINAL DEGENERATION. Identifiers: Orphanet 100996, MedGen C1849128, MONDO:0010044, OMIM 270700.

Submission:

Myriad Genetics, Inc.
Classification: Pathogenic for Hereditary spastic paraplegia 15. Last evaluated: 2023-09-28. Review status: criteria provided, single submitter. Criteria: Myriad Autosomal Dominant, Autosomal Recessive and X-Linked Classification Criteria (2023). Collection method: clinical testing. Allele origin: unknown.
Comment: NM_015346.3(ZFYVE26):c.564delT(L189Cfs*26) is expected to be pathogenic in the context of spastic paraplegia type 15. This variant is predicted to lead to an abnormal or absent protein product due to the creation of a premature termination codon in ZFYVE26, a gene where loss-of-function variants are known to be pathogenic. Please note: this variant was assessed in the context of healthy population screening.